The following is an entry in ClinVar:

ClinVar aggregate classification (germline): Uncertain significance (1 of 4 stars; one submission).

Conditions:
Cardiovascular phenotype. Identifiers: MedGen CN230736.

Submission:

Ambry Genetics
Classification: Uncertain significance for Cardiovascular phenotype. Last evaluated: 2024-09-23. Review status: criteria provided, single submitter. Criteria: Ambry Variant Classification Scheme 2023. Collection method: clinical testing. Allele origin: germline.
Comment: The p.G207D variant (also known as c.620G>A), located in coding exon 2 of the TNXB gene, results from a G to A substitution at nucleotide position 620. The glycine at codon 207 is replaced by aspartic acid, an amino acid with similar properties. This amino acid position is conserved. In addition, the in silico prediction for this alteration is inconclusive. Based on the available evidence, the clinical significance of this variant remains unclear.

NM_001365276.2(TNXB):c.620G>A (p.Gly207Asp)

Gene: TNXB (tenascin XB; minus strand). Cytogenetic location: 6p21.33.
Variant type: single nucleotide variant.
Coding change: c.620G>A on transcript NM_001365276.2 (MANE Select); coding-DNA position 620, G replaced by A.
Protein change: p.Gly207Asp; replaces glycine 207 with aspartic acid.
Molecular consequence: missense variant.
Genome position (GRCh38, 1-based): chr6:32,097,233, C>T on the plus strand (G>A on the coding strand, the complement: TNXB is on the minus strand). VCF-style: chr6-32097233-C-T. GRCh37 (hg19) VCF-style: chr6-32065010-C-T.
Other names: c.620G>A, p.Gly207Asp (NM_001428335.1, NM_019105.8); short protein forms G207D.
Identifiers: ClinVar variation 3459802 (VCV003459802.1).